The following is an entry in ClinVar:

ClinVar aggregate classification (germline): Likely benign. Review status: criteria provided, multiple submitters, no conflicts (2 of 4 stars). 2 submissions from 2 submitters: Likely benign (2). Last evaluated 2025-08-01.

Conditions:
Hereditary cancer-predisposing syndrome. Also called: Hereditary neoplastic syndrome; Neoplastic Syndromes, Hereditary; Tumor predisposition; Hereditary Cancer Syndrome. Identifiers: Orphanet 140162, MedGen C0027672, MeSH D009386, MONDO:0015356.

Submissions (2):

CeGaT Center for Human Genetics Tuebingen
Classification: Likely benign. Last evaluated: 2025-08-01. Review status: criteria provided, single submitter. Criteria: CeGaT Center For Human Genetics Tuebingen Variant Classification Criteria Version 2. Collection method: clinical testing. Allele origin: germline. Affected: yes. Observed: 1 variant allele.
Comment: PHOX2B: PM2:Supporting, BP4, BP7

Ambry Genetics
Classification: Likely benign for Hereditary cancer-predisposing syndrome. Last evaluated: 2020-06-10. Review status: criteria provided, single submitter. Criteria: Ambry Variant Classification Scheme 2023. Collection method: clinical testing. Allele origin: germline.

NM_003924.4(PHOX2B):c.861T>C (p.Leu287=)

Gene: PHOX2B (paired like homeobox 2B; minus strand). Cytogenetic location: 4p13.
Variant type: single nucleotide variant.
Coding change: c.861T>C on transcript NM_003924.4 (MANE Select); coding-DNA position 861, T replaced by C.
Protein change: p.Leu287=; no amino-acid change (leucine 287 retained).
Molecular consequence: synonymous variant.
Genome position (GRCh38, 1-based): chr4:41,745,891, A>G on the plus strand (T>C on the coding strand, the complement: PHOX2B is on the minus strand). VCF-style: chr4-41745891-A-G. GRCh37 (hg19) VCF-style: chr4-41747908-A-G.
Identifiers: ClinVar variation 1764070 (VCV001764070.10), dbSNP rs2552096773, ClinGen allele CA439142875.